The following continues an entry in ClinVar:

NM_024675.4(PALB2):c.2201C>A (p.Thr734Asn)

Gene: PALB2. ClinVar aggregate classification (germline): Conflicting classifications of pathogenicity. Uncertain significance (14); Likely benign (2).

Submissions 9 to 17 of 17:

Myriad Genetics, Inc.
Classification: Likely benign for Familial cancer of breast. Last evaluated: 2023-03-30. Review status: criteria provided, single submitter. Criteria: Myriad Autosomal Dominant, Autosomal Recessive and X-Linked Classification Criteria (2023). Collection method: clinical testing. Allele origin: unknown.
Comment: This variant is considered likely benign. This variant is strongly associated with less severe personal and family histories of cancer, typical for individuals without pathogenic variants in this gene [PMID: 25085752].

CeGaT Center for Human Genetics Tuebingen
Classification: Likely benign. Last evaluated: 2022-07-01. Review status: criteria provided, single submitter. Criteria: CeGaT Center For Human Genetics Tuebingen Variant Classification Criteria Version 2. Collection method: clinical testing. Allele origin: germline. Affected: yes. Observed: 1 variant allele.
Comment: PALB2: BP1, BP4

Fulgent Genetics
Classification: Uncertain significance for Familial cancer of breast; Fanconi anemia complementation group N; Pancreatic cancer, susceptibility to, 3. Last evaluated: 2022-04-23. Review status: criteria provided, single submitter. Criteria: ACMG Guidelines, 2015. Collection method: clinical testing. Allele origin: unknown.

Mayo Clinic Laboratories, Mayo Clinic
Classification: Uncertain significance. Last evaluated: 2021-12-20. Review status: criteria provided, single submitter. Criteria: ACMG Guidelines, 2015. Collection method: clinical testing. Allele origin: germline.

Genetic Services Laboratory, University of Chicago
Classification: Uncertain significance. Last evaluated: 2021-06-04. Review status: criteria provided, single submitter. Criteria: ACMG Guidelines, 2015. Collection method: clinical testing. Allele origin: germline. Affected: no.

Department of Pathology and Laboratory Medicine, Sinai Health System
Classification: Uncertain significance for Breast-ovarian cancer, familial, susceptibility to, 5. Last evaluated: 2019-10-17. Review status: criteria provided, single submitter. Criteria: ACMG Guidelines, 2015. Collection method: clinical testing. Allele origin: germline. Affected: yes.

Mendelics
Classification: Uncertain significance for Hereditary cancer-predisposing syndrome. Last evaluated: 2018-07-02. Review status: criteria provided, single submitter. Criteria: Mendelics Assertion Criteria 2017. Collection method: clinical testing. Allele origin: unknown.

Illumina Laboratory Services, Illumina
Classification: Uncertain significance for Fanconi anemia complementation group N. Last evaluated: 2018-01-13. Review status: criteria provided, single submitter. Criteria: ICSL Variant Classification Criteria 13 December 2019. Collection method: clinical testing. Allele origin: germline.

Counsyl
Classification: Uncertain significance for Familial cancer of breast. Last evaluated: 2017-09-29. Review status: no assertion criteria provided. Collection method: clinical testing. Allele origin: unknown. Not counted in ClinVar's aggregate classification.

Literature cited by the submitters: PubMed 33471991 (cited by 3 submitters); PubMed 35610400 (cited by 4 submitters); PubMed 41488399 (cited by Women's Health and Genetics/Laboratory Corporation of America, LabCorp); PubMed 39251783 (cited by 3 submitters); PubMed 25980754 (cited by 5 submitters); PubMed 32885271 (cited by 4 submitters); PubMed 38061684 (cited by Labcorp Genetics (formerly Invitae), Labcorp); PubMed 28873162 (cited by 5 submitters); PubMed 25085752 (cited by Myriad Genetics, Inc.).